The following is an entry in ClinVar:

NM_000059.4(BRCA2):c.5628A>C (p.Glu1876Asp)

Gene: BRCA2 (BRCA2 DNA repair associated; plus strand). Cytogenetic location: 13q13.1.
Variant type: single nucleotide variant.
Coding change: c.5628A>C on transcript NM_000059.4 (MANE Select); coding-DNA position 5628, A replaced by C.
Protein change: p.Glu1876Asp; replaces glutamic acid 1876 with aspartic acid.
Molecular consequence: missense variant. On other transcripts: non-coding transcript variant (1), intron variant (2).
Genome position (GRCh38, 1-based): chr13:32,339,983, A>C. VCF-style: chr13-32339983-A-C. GRCh37 (hg19) VCF-style: chr13-32914120-A-C.
Other names: c.5628A>C, p.Glu1876Asp (NM_001406719.1, NM_001406720.1, NM_001432077.1); c.1910-4575A>C (NM_001406721.1); c.425-4575A>C (NM_001406722.1); short protein forms E1876D.
Identifiers: ClinVar variation 4802316 (VCV004802316.1).

ClinVar aggregate classification (germline): Uncertain significance (1 of 4 stars; one submission).

Conditions:
Hereditary breast ovarian cancer syndrome. Also called: Hereditary breast and ovarian cancer syndrome (HBOC); Hereditary breast and ovarian cancer; Breast and ovarian cancer; Hereditary breast and/or ovarian cancer syndrome; BRCA1- and BRCA2-Associated Hereditary Breast and Ovarian Cancer; Hereditary breast and ovarian cancer syndrome. Identifiers: Orphanet 145, MedGen C0677776, MeSH D061325, MONDO:0003582. Disease mechanism: loss of function.

Submission:

Labcorp Genetics (formerly Invitae), Labcorp
Classification: Uncertain significance for Hereditary breast ovarian cancer syndrome. Last evaluated: 2025-11-17. Review status: criteria provided, single submitter. Criteria: Invitae Variant Classification Sherloc (09022015). Collection method: clinical testing. Allele origin: germline.
Comment: This sequence change replaces glutamic acid, which is acidic and polar, with aspartic acid, which is acidic and polar, at codon 1876 of the BRCA2 protein (p.Glu1876Asp). This variant is not present in population databases (gnomAD no frequency). This variant has not been reported in the literature in individuals affected with BRCA2-related conditions. Invitae Evidence Modeling of protein sequence and biophysical properties (such as structural, functional, and spatial information, amino acid conservation, physicochemical variation, residue mobility, and thermodynamic stability) indicates that this missense variant is not expected to disrupt BRCA2 protein function with a negative predictive value of 95%. In summary, the available evidence is currently insufficient to determine the role of this variant in disease. Therefore, it has been classified as a Variant of Uncertain Significance.